The following is an entry in ClinVar:

NM_058216.3(RAD51C):c.345G>A (p.Val115=)

Gene: RAD51C (RAD51 paralog C; plus strand). Cytogenetic location: 17q22.
Variant type: single nucleotide variant.
Coding change: c.345G>A on transcript NM_058216.3 (MANE Select); coding-DNA position 345, G replaced by A.
Protein change: p.Val115=; no amino-acid change (valine 115 retained).
Molecular consequence: synonymous variant. On other transcripts: non-coding transcript variant (2).
Genome position (GRCh38, 1-based): chr17:58,695,130, G>A. VCF-style: chr17-58695130-G-A. GRCh37 (hg19) VCF-style: chr17-56772491-G-A.
Other names: c.345G>A, p.Val115= (NM_002876.4).
Identifiers: ClinVar variation 799684 (VCV000799684.13), dbSNP rs1598456274, ClinGen allele CA501074737.

ClinVar aggregate classification (germline): Conflicting classifications of pathogenicity. Review status: criteria provided, conflicting classifications (1 of 4 stars). 4 submissions from 4 submitters: Uncertain significance (1); Benign (1); Likely benign (2). Last evaluated 2025-10-26.

Conditions:
Hereditary cancer-predisposing syndrome. Also called: Neoplastic Syndromes, Hereditary; Hereditary Cancer Syndrome; Tumor predisposition; Hereditary neoplastic syndrome. Identifiers: Orphanet 140162, MedGen C0027672, MeSH D009386, MONDO:0015356.
Breast-ovarian cancer, familial, susceptibility to, 3. Also called: RAD51C-Related Breast/Ovarian Cancer. Identifiers: Orphanet 145, MedGen C3150659, MONDO:0013253, OMIM 613399.
Fanconi anemia complementation group O. Also called: RAD51C-Related Fanconi Anemia. Identifiers: Orphanet 84, MedGen C3150653, MONDO:0013248, OMIM 613390.

Allele frequency attached by ClinVar (database versions not stated): gnomAD exomes below 0.00001.
gnomAD v4.1: 3 of 1,613,954 alleles (0.00019%); highest among the groups gnomAD compares: South Asian, 0.0033%; no homozygotes.

Submissions (4):

Labcorp Genetics (formerly Invitae), Labcorp
Classification: Likely benign for Fanconi anemia complementation group O. Last evaluated: 2025-10-26. Review status: criteria provided, single submitter. Criteria: Invitae Variant Classification Sherloc (09022015). Collection method: clinical testing. Allele origin: germline.

Myriad Genetics, Inc.
Classification: Benign for Breast-ovarian cancer, familial, susceptibility to, 3. Last evaluated: 2025-02-14. Review status: criteria provided, single submitter. Criteria: Myriad Autosomal Dominant, Autosomal Recessive and X-Linked Classification Criteria (2023). Collection method: clinical testing. Allele origin: unknown.
Comment: This variant is considered benign. This variant is a silent/synonymous amino acid change and it is not expected to impact splicing.

Quest Diagnostics Nichols Institute San Juan Capistrano
Classification: Uncertain significance. Last evaluated: 2024-07-02. Review status: criteria provided, single submitter. Criteria: Quest Diagnostics criteria. Collection method: clinical testing. Allele origin: unknown.
Comment: The RAD51C c.345G>A (p.Val115=) synonymous variant has not been reported in individuals with RAD51C-related conditions in the published literature. It also has not been reported in large, multi-ethnic general populations (Genome Aggregation Database). Analysis of this variant using software algorithms for the prediction of the effect of nucleotide changes on splicing yielded predictions that this variant does not affect RAD51C mRNA splicing. Based on the available information, we are unable to determine the clinical significance of this variant.

Ambry Genetics
Classification: Likely benign for Hereditary cancer-predisposing syndrome. Last evaluated: 2020-06-12. Review status: criteria provided, single submitter. Criteria: Ambry Variant Classification Scheme 2023. Collection method: clinical testing. Allele origin: germline.